The following is an entry in ClinVar:

ClinVar aggregate classification (germline): Uncertain significance (1 of 4 stars; one submission).

Conditions:
Intellectual developmental disorder, autosomal dominant 64. Also called: MENTAL RETARDATION, AUTOSOMAL DOMINANT 64. Identifiers: MedGen C5543067, MONDO:0030934, OMIM 619188.

Submission:

Victorian Clinical Genetics Services, Murdoch Childrens Research Institute
Classification: Uncertain significance for Intellectual developmental disorder, autosomal dominant 64. Last evaluated: 2022-02-02. Review status: criteria provided, single submitter. Criteria: ACMG Guidelines, 2015. Collection method: clinical testing. Allele origin: germline. Inheritance: Autosomal dominant inheritance. Affected: yes.
Comment: Based on the classification scheme VCGS_Germline_v1.3.4, this variant is classified as VUS-3B. Following criteria are met: 0102 - Loss of function is a known mechanism of disease in this gene and is associated with intellectual developmental disorder 64 (MIM#619188). However, the mechanism of disease associated with missense variants is currently unclear due to limited evidence (PMID: 31723249). (I) 0107 - This gene is associated with autosomal dominant disease. (I) 0200 - Variant is predicted to result in a missense amino acid change from tyrosine to histidine. (I) 0251 - This variant is heterozygous. (I) 0301 - Variant is absent from gnomAD (both v2 and v3). (SP) 0502 - Missense variant with conflicting in silico predictions and high conservation. (I) 0604 - Variant is not located in an established domain, motif, hotspot or informative constraint region. (I) 0705 - No comparable missense variants have previous evidence for pathogenicity. (I) 0807 - This variant has no previous evidence of pathogenicity. (I) 0905 - No published segregation evidence has been identified for this variant. (I) 1007 - No published functional evidence has been identified for this variant. (I) 1208 - Inheritance information for this variant is not currently available in this individual. (I) Legend: (SP) - Supporting pathogenic, (I) - Information, (SB) - Supporting benign

Literature cited by the submitters: PubMed 31723249.

NM_015021.3(ZNF292):c.1618T>C (p.Tyr540His)

Gene: ZNF292 (zinc finger protein 292; plus strand). Cytogenetic location: 6q14.3.
Variant type: single nucleotide variant.
Coding change: c.1618T>C on transcript NM_015021.3 (MANE Select); coding-DNA position 1618, T replaced by C.
Protein change: p.Tyr540His; replaces tyrosine 540 with histidine.
Molecular consequence: missense variant.
Genome position (GRCh38, 1-based): chr6:87,255,247, T>C. VCF-style: chr6-87255247-T-C. GRCh37 (hg19) VCF-style: chr6-87964965-T-C.
Other names: c.1198T>C, p.Tyr400His (NM_001351444.2); short protein forms Y400H, Y540H.
Identifiers: ClinVar variation 1805244 (VCV001805244.1), dbSNP rs2482289812, ClinGen allele CA364909809.